The following is an entry in ClinVar:

NM_001292063.2(OTOG):c.1244A>G (p.Tyr415Cys)

Gene: OTOG (otogelin; plus strand). Cytogenetic location: 11p15.1.
Variant type: single nucleotide variant.
Coding change: c.1244A>G on transcript NM_001292063.2 (MANE Select); coding-DNA position 1244, A replaced by G.
Protein change: p.Tyr415Cys; replaces tyrosine 415 with cysteine.
Molecular consequence: missense variant.
Genome position (GRCh38, 1-based): chr11:17,559,564, A>G. VCF-style: chr11-17559564-A-G. GRCh37 (hg19) VCF-style: chr11-17581111-A-G.
Other names: c.1280A>G, p.Tyr427Cys (NM_001277269.2); short protein forms Y415C, Y427C.
Identifiers: ClinVar variation 5017131 (VCV005017131.1).

ClinVar aggregate classification (germline): Uncertain significance (1 of 4 stars; one submission).

gnomAD v4.1: 12 of 1,550,576 alleles (0.00077%); highest among the groups gnomAD compares: South Asian, 0.012%; no homozygotes.

Submission:

GeneDx
Classification: Uncertain significance. Last evaluated: 2026-03-31. Review status: criteria provided, single submitter. Criteria: GeneDx Variant Classification Process June 2021. Collection method: clinical testing. Allele origin: germline.
Comment: Not observed at significant frequency in large population cohorts (gnomAD); In silico analysis supports that this missense variant has a deleterious effect on protein structure/function; Has not been previously published as pathogenic or benign to our knowledge